The following is an entry in ClinVar:

ClinVar aggregate classification (germline): Uncertain significance (1 of 4 stars; one submission).

Submission:

Ambry Genetics
Classification: Uncertain significance. Last evaluated: 2022-08-06. Review status: criteria provided, single submitter. Criteria: Ambry Variant Classification Scheme 2023. Collection method: clinical testing. Allele origin: germline.
Comment: The p.L31V variant (also known as c.91C>G), located in coding exon 1 of the MLH3 gene, results from a C to G substitution at nucleotide position 91. The leucine at codon 31 is replaced by valine, an amino acid with highly similar properties. This amino acid position is conserved. In addition, the in silico prediction for this alteration is inconclusive. Since supporting evidence is limited at this time, the clinical significance of this alteration remains unclear.

NM_001040108.2(MLH3):c.91C>G (p.Leu31Val)

Gene: MLH3 (mutL homolog 3; minus strand). Cytogenetic location: 14q24.3.
Variant type: single nucleotide variant.
Coding change: c.91C>G on transcript NM_001040108.2 (MANE Select); coding-DNA position 91, C replaced by G.
Protein change: p.Leu31Val; replaces leucine 31 with valine.
Molecular consequence: missense variant.
Genome position (GRCh38, 1-based): chr14:75,049,565, G>C on the plus strand (C>G on the coding strand, the complement: MLH3 is on the minus strand). VCF-style: chr14-75049565-G-C. GRCh37 (hg19) VCF-style: chr14-75516268-G-C.
Other names: c.91C>G, p.Leu31Val (NM_014381.3); short protein forms L31V.
Identifiers: ClinVar variation 1766157 (VCV001766157.2), dbSNP rs2139613860, ClinGen allele CA390451657.